The following is an entry in ClinVar:

ClinVar aggregate classification (germline): Benign (1 of 4 stars; one submission).

Allele frequency attached by ClinVar (database versions not stated): gnomAD 0.08052 and 0.08449; TOPMed 0.08100; 1000 Genomes Project 30x 0.08151; 1000 Genomes Project 0.08267.
gnomAD v4.1: 12,882 of 152,274 alleles (8.5%); highest among the groups gnomAD compares: South Asian, 18%; 730 homozygotes.

Submission:

GeneDx
Classification: Benign. Last evaluated: 2018-06-19. Review status: criteria provided, single submitter. Criteria: GeneDx Variant Classification (06012015). Collection method: clinical testing. Allele origin: germline. Affected: yes.
Comment: This variant is considered likely benign or benign based on one or more of the following criteria: it is a conservative change, it occurs at a poorly conserved position in the protein, it is predicted to be benign by multiple in silico algorithms, and/or has population frequency not consistent with disease.

NM_003850.3(SUCLA2):c.1317+166A>G

Gene: SUCLA2 (succinate-CoA ligase ADP-forming subunit beta; minus strand). Cytogenetic location: 13q14.2.
Variant type: single nucleotide variant.
Coding change: c.1317+166A>G on transcript NM_003850.3 (MANE Select); 166 bases into the intron after coding-DNA position 1317, A replaced by G.
Molecular consequence: intron variant.
Genome position (GRCh38, 1-based): chr13:47,948,774, T>C on the plus strand (A>G on the coding strand, the complement: SUCLA2 is on the minus strand). VCF-style: chr13-47948774-T-C. GRCh37 (hg19) VCF-style: chr13-48522909-T-C.
Identifiers: ClinVar variation 672631 (VCV000672631.1), dbSNP rs9562785, ClinGen allele CA13859194.
Genomic context (GRCh38, chr13:47,948,774, plus strand): 5'-TACTGCAAAACTCCACTGCAGTAGTCTCTATGCTTATTGCAACAGTCCCTCTGAATAAAG[T>C]CTGCCTTAACATCTTTCAGCAAGAGTCATGAATAATCGTTTTCTTTAACCATTCATTACA-3'